The following is an entry in ClinVar:

NM_014874.4(MFN2):c.280C>T (p.Arg94Trp)

Gene: MFN2 (mitofusin 2; plus strand). Cytogenetic location: 1p36.22.
Variant type: single nucleotide variant.
Coding change: c.280C>T on transcript NM_014874.4 (MANE Select); coding-DNA position 280, C replaced by T.
Protein change: p.Arg94Trp; replaces arginine 94 with tryptophan.
Molecular consequence: missense variant.
Genome position (GRCh38, 1-based): chr1:11,992,659, C>T. VCF-style: chr1-11992659-C-T. GRCh37 (hg19) VCF-style: chr1-12052716-C-T.
Other names: p.R94W:CGG>TGG; chr1-11992659-C-T; c.280C>T, p.Arg94Trp (NM_001127660.2); short protein forms R94W.
Identifiers: ClinVar variation 2276 (VCV000002276.52), dbSNP rs119103263, ClinGen allele CA204307.

ClinVar aggregate classification (germline): Pathogenic. Review status: criteria provided, multiple submitters, no conflicts (2 of 4 stars). 24 submissions from 20 submitters: Pathogenic (19). 5 of the submissions do not count toward it. Last evaluated 2026-06-10.

Conditions:
Neuropathy, hereditary motor and sensory, type 6A (HMSN6A). Also called: NEUROPATHY, HEREDITARY MOTOR AND SENSORY, TYPE VIA, WITH OPTIC ATROPHY; NEUROPATHY, HEREDITARY MOTOR AND SENSORY, TYPE VIA; HMSN VIA; CHARCOT-MARIE-TOOTH DISEASE, TYPE 6A. Identifiers: MedGen CN305336, MONDO:0011002, OMIM 601152.
Inborn genetic diseases. Identifiers: MedGen C0950123, MeSH D030342.
MFN2-related disorder. Also called: MFN2-related disorders; MFN2-related condition.
Charcot-Marie-Tooth disease, axonal, autosomal recessive, type 2a2b;. Also called: Charcot-Marie-Tooth disease, axonal, type 2A2B; Charcot-Marie-Tooth disease, axonal, autosomal recessive, type 2A2B. Identifiers: MedGen C4310725, MONDO:0014906, OMIM 617087.
Charcot-Marie-Tooth disease type 2. Also called: Charcot-Marie-Tooth type 2. Identifiers: Orphanet 64746, MedGen C0270914, MONDO:0018993.
Charcot-Marie-Tooth disease. Also called: Charcot-Marie-Tooth Neuropathy; Charcot-Marie-Tooth Hereditary Neuropathy. Identifiers: Orphanet 166, MedGen C0007959, MONDO:0015626.
Hereditary motor and sensory neuropathy with optic atrophy. Also called: PERIPHERAL NEUROPATHY AND OPTIC ATROPHY; CHARCOT-MARIE-TOOTH DISEASE, TYPE 6. Identifiers: Orphanet 90120, MedGen C0393807, MONDO:0019551.
Charcot-Marie-Tooth disease type 2A2. Also called: CHARCOT-MARIE-TOOTH DISEASE, AXONAL, AUTOSOMAL DOMINANT, TYPE 2A2A; CHARCOT-MARIE-TOOTH DISEASE, NEURONAL, TYPE 2A2; CHARCOT-MARIE-TOOTH DISEASE, AXONAL, TYPE 2A2; Charcot-Marie-Tooth Neuropathy Type 2A2; HEREDITARY MOTOR AND SENSORY NEUROPATHY IIA2; HMSN IIA2. Identifiers: Orphanet 99947, MedGen C4721887, MONDO:0012231, OMIM 609260.
Abnormal blistering of the skin. Identifiers: MedGen C2132198, HP:0008066.
Alopecia of scalp. Identifiers: MedGen C0574769, HP:0002293.
Scarring alopecia of scalp. Identifiers: MedGen C3806301, HP:0004552.
EMG abnormality. Identifiers: MedGen C0476403, HP:0003457.
Distal muscle weakness. Identifiers: MedGen C0427065, HP:0002460.
Abnormal dental enamel morphology. Also called: Abnormality of dental enamel. Identifiers: MedGen C4021800, HP:0000682.
Abnormality of the dentition. Also called: Dental anomalies. Identifiers: MedGen C0262444, HP:0000164.
Short stature. Identifiers: MedGen C0349588, HP:0004322.
Failure to thrive. Also called: Pediatric failure to thrive. Identifiers: MedGen C2315100, HP:0001508.
Decreased body weight. Identifiers: MedGen C5574742, HP:0004325.
Hyperpigmentation of the skin. Also called: Hyperpigmentation. Identifiers: Orphanet 79375, MedGen C0162834, MONDO:0019289, HP:0000953.
Microcephaly. Also called: Microcephaly (disease). Identifiers: MedGen C4551563, MONDO:0001149, HP:0000252.
Nail dystrophy. Identifiers: MedGen C0221260, HP:0008404.
Scarring. Identifiers: MedGen C0008767, HP:0100699.

Submissions 1 to 9 of 24:

Clinical Omics and Informatics (COIN) Unit, Neuroscience Institute, University Of Cape Town
Classification: Pathogenic for Charcot-Marie-Tooth disease type 2A2. Last evaluated: 2026-06-10. Review status: criteria provided, single submitter. Criteria: ACMG Guidelines, 2015. Collection method: research. Allele origin: germline. Inheritance: Autosomal dominant inheritance. Affected: yes. Observed: 1 variant allele, 1 heterozygote.
Comment: Variant is absent from gnomAD v4 (coverage >20X confirmed) and the AGVD database. PP1 Met: 3 informative meioses in 3 separate families (PMID:16835246;16437557). PP2 Met: Missense z-score is 3.23. PP3_Moderate: Revel score is 0.926. PM5 Met: p.Arg94Gln and p.Arg94Gly have been reported as pathogenic (ClinVar: VCV000002268.50, VCV000637495.36). PM6 Met: 1.5 points awarded for heterozygous de novo observations of variant in 3 unrelated probands with consistent phenotype for disorder (PMID:19889647;24126688).

3billion
Classification: Pathogenic for Charcot-Marie-Tooth disease type 2A2. Last evaluated: 2025-07-07. Review status: criteria provided, single submitter. Criteria: ACMG Guidelines, 2015. Collection method: clinical testing. Allele origin: germline. Affected: yes.
Comment: The variant is not observed in the gnomAD v4.1.0 dataset. Predicted Consequence/Location: Missense variant Functional studies provide moderate evidence of the variant having a damaging effect on the gene or gene product (PMID: 24862862). In silico tool predictions suggest damaging effect of the variant on gene or gene product [REVEL: 0.93 (>=0.6, sensitivity 0.68 and specificity 0.92); 3Cnet: 0.99 (> 0.75, sensitivity 0.96 and precision 0.92)]. The same nucleotide change resulting in the same amino acid change has been previously reported as pathogenic/likely pathogenic with strong evidence (ClinVar ID: VCV000002276 /PMID: 16437557 /3billion dataset). The variant has been previously reported as de novo in a similarly affected individual (PMID: 26686600). The variant has been observed in multiple (>3) similarly affected unrelated individuals (PMID: 16437557, 19889647, 24126688, 26686600, 27549087). Different missense changes at the same codon (p.Arg94Gln, p.Arg94Gly, p.Arg94Leu, p.Arg94Pro) have been reported as pathogenic/likely pathogenic with strong evidence (ClinVar ID: VCV000002268, VCV000637495, VCV002585245 /PMID: 15064763, 21508331, 24819634, 33415332 /3billion dataset). Therefore, this variant is classified as Pathogenic according to the recommendation of ACMG/AMP guideline.

Labcorp Genetics (formerly Invitae), Labcorp
Classification: Pathogenic for Charcot-Marie-Tooth disease type 2. Last evaluated: 2025-05-13. Review status: criteria provided, single submitter. Criteria: Invitae Variant Classification Sherloc (09022015). Collection method: clinical testing. Allele origin: germline.
Comment: This sequence change replaces arginine, which is basic and polar, with tryptophan, which is neutral and slightly polar, at codon 94 of the MFN2 protein (p.Arg94Trp). This variant is not present in population databases (gnomAD no frequency). This missense change has been observed in individual(s) with Charcot-Marie-Tooth disease (PMID: 16437557, 16835246, 19889647, 24126688). In at least one individual the variant was observed to be de novo. ClinVar contains an entry for this variant (Variation ID: 2276). Invitae Evidence Modeling of protein sequence and biophysical properties (such as structural, functional, and spatial information, amino acid conservation, physicochemical variation, residue mobility, and thermodynamic stability) indicates that this missense variant is expected to disrupt MFN2 protein function with a positive predictive value of 95%. Experimental studies have shown that this missense change affects MFN2 function (PMID: 24862862). This variant disrupts the p.Arg94 amino acid residue in MFN2. Other variant(s) that disrupt this residue have been determined to be pathogenic (PMID: 15064763, 21285398, 22442078, 24604904). This suggests that this residue is clinically significant, and that variants that disrupt this residue are likely to be disease-causing. For these reasons, this variant has been classified as Pathogenic.

Blueprint Genetics
Classification: Pathogenic for MFN2-related disorders. Last evaluated: 2024-11-13. Review status: criteria provided, single submitter. Criteria: ACMG Guidelines, 2015. Collection method: clinical testing. Allele origin: germline. Affected: yes. Observed: 3 variant alleles.

Baylor Genetics
Classification: Pathogenic for Charcot-Marie-Tooth disease, axonal, autosomal recessive, type 2a2b;. Last evaluated: 2023-12-13. Review status: criteria provided, single submitter. Criteria: ACMG Guidelines, 2015. Collection method: clinical testing. Allele origin: unknown.

Baylor Genetics
Classification: Pathogenic for Charcot-Marie-Tooth disease type 2A2. Last evaluated: 2023-12-13. Review status: criteria provided, single submitter. Criteria: ACMG Guidelines, 2015. Collection method: clinical testing. Allele origin: unknown.

Baylor Genetics
Classification: Pathogenic for Neuropathy, hereditary motor and sensory, type 6A. Last evaluated: 2023-12-13. Review status: criteria provided, single submitter. Criteria: ACMG Guidelines, 2015. Collection method: clinical testing. Allele origin: unknown.

Ambry Genetics
Classification: Pathogenic for Inborn genetic diseases. Last evaluated: 2023-02-15. Review status: criteria provided, single submitter. Criteria: Ambry Variant Classification Scheme 2023. Collection method: clinical testing. Allele origin: germline.
Comment: The c.280C>T (p.R94W) alteration is located in exon 4 (coding exon 2) of the MFN2 gene. This alteration results from a C to T substitution at nucleotide position 280, causing the arginine (R) at amino acid position 94 to be replaced by a tryptophan (W). _x000D_ _x000D_ Based on the available evidence, the MFN2 c.280C>T (p.R94W) alteration is classified as pathogenic for autosomal dominant MFN2-related neuropathy; however, its clinical significance for autosomal recessive MFN2-related neuropathy is unclear. This variant was not reported in population-based cohorts in the Genome Aggregation Database (gnomAD). This alteration has been detected in heterozygous state in multiple individuals with neuropathy (Nguyen-Le, 2022; Volodarsky, 2021; Charif, 2021; Wu, 2021; Lin, 2020; Rasheed, 2020; Monies, 2019; Di Meglio, 2016; Xie, 2016; Choi, 2015; Brokov&aacute;, 2014; Feely, 2011; Casasnovas, 2010; Zuchner, 2006; Verhoeven, 2006; Z&uuml;chner, 2004). This amino acid position is highly conserved in available vertebrate species. Functional studies indicate this alteration impairs mitochondrial fusion (Detmer, 2007; Strickland, 2014; Sawyer, 2015; Sloat, 2019). This alteration is predicted to be deleterious by in silico analysis. Based on the available evidence, this alteration is classified as pathogenic.

Athena Diagnostics
Classification: Pathogenic. Last evaluated: 2022-06-01. Review status: criteria provided, single submitter. Criteria: Athena Diagnostics Criteria. Collection method: clinical testing. Allele origin: unknown.
Comment: This variant has been identified in multiple unrelated individuals with Charcot-Marie-Tooth disease including at least one confirmed de novo. This variant has not been reported in large, multi-ethnic general populations. At least one other missense variant at this codon is considered to be pathogenic or likely pathogenic, suggesting this variant may also cause disease. Assessment of experimental evidence suggests this variant results in abnormal protein function. Studies show this variant inhibits mitochondrial fusion (PMID: 17296794, 24862862, 26085578). The variant is located in a region that is considered important for protein function and/or structure.